The following is an entry in ClinVar:

NM_001374828.1(ARID1B):c.2287G>T (p.Glu763Ter)

Gene: ARID1B (AT-rich interaction domain 1B; plus strand). Cytogenetic location: 6q25.3.
Variant type: single nucleotide variant.
Coding change: c.2287G>T on transcript NM_001374828.1 (MANE Select); coding-DNA position 2287, G replaced by T.
Protein change: p.Glu763Ter; replaces glutamic acid 763 with a stop codon.
Molecular consequence: nonsense. On other transcripts: 5 prime UTR variant (1).
Genome position (GRCh38, 1-based): chr6:157,084,701, G>T. VCF-style: chr6-157084701-G-T. GRCh37 (hg19) VCF-style: chr6-157405835-G-T.
Other names: c.2077G>T, p.Glu693Ter (NM_020732.3); c.-213G>T (NM_001363725.2); c.2326G>T, p.Glu776Ter (NM_001371656.1, NM_001374820.1); c.2287G>T, p.Glu763Ter (NM_017519.3); short protein forms E693*, E763*, E776*.
Identifiers: ClinVar variation 620011 (VCV000620011.5), dbSNP rs1554294593, ClinGen allele CA366387084.

ClinVar aggregate classification (germline): Pathogenic. Review status: criteria provided, multiple submitters, no conflicts (2 of 4 stars). 3 submissions from 3 submitters: Pathogenic (3). Last evaluated 2021-07-15.

Conditions:
Coffin-Siris syndrome 1 (CSS1). Also called: ARID1B-Related Coffin-Siris Syndrome; Mental retardation, autosomal dominant 12. Identifiers: Orphanet 1465, MedGen C3281201, MONDO:0007617, OMIM 135900. Disease mechanism: gain of function.

Submissions (3):

Genome-Nilou Lab
Classification: Pathogenic for Coffin-Siris syndrome 1. Last evaluated: 2021-07-15. Review status: criteria provided, single submitter. Criteria: ACMG Guidelines, 2015. Collection method: clinical testing. Allele origin: germline. Affected: no.

Institute of Human Genetics, University of Leipzig Medical Center
Classification: Pathogenic for Coffin-Siris syndrome 1. Last evaluated: 2021-03-26. Review status: criteria provided, single submitter. Criteria: ACMG Guidelines, 2015. Collection method: clinical testing. Allele origin: de novo. Affected: yes.
Comment: This variant was identified as de novo (maternity and paternity confirmed).

Cytogénomique, Hospices Civils de Lyon
Classification: Pathogenic for Coffin-Siris syndrome 1. Last evaluated: 2017-03-20. Review status: criteria provided, single submitter. Criteria: ACMG Guidelines, 2015. Collection method: clinical testing. Allele origin: de novo. Inheritance: Autosomal dominant inheritance. Affected: yes.